The following is an entry in ClinVar:

ClinVar aggregate classification (germline): Pathogenic (1 of 4 stars; one submission).

Conditions:
Ullrich congenital muscular dystrophy 2 (UCMD2). Identifiers: Orphanet 75840, MedGen C4225314, MONDO:0014654, OMIM 616470.
Bethlem myopathy 2 (BTHLM2). Identifiers: Orphanet 536516, Orphanet 610, MedGen C4225313, MONDO:0034022, OMIM 616471.

Submission:

Labcorp Genetics (formerly Invitae), Labcorp
Classification: Pathogenic for Bethlem myopathy 2; Ullrich congenital muscular dystrophy 2. Last evaluated: 2022-03-15. Review status: criteria provided, single submitter. Criteria: Invitae Variant Classification Sherloc (09022015). Collection method: clinical testing. Allele origin: germline.
Comment: This sequence change affects a donor splice site in intron 52 of the COL12A1 gene. It is expected to disrupt RNA splicing. Variants that disrupt the donor or acceptor splice site typically lead to a loss of protein function (PMID: 16199547), however the current clinical and genetic evidence is not sufficient to establish whether loss-of-function variants in COL12A1 cause disease. This variant is not present in population databases (gnomAD no frequency). Disruption of this splice site has been observed in individuals with autosomal dominant COL12A1-related conditions (PMID: 29342313, 31127727). It has also been observed to segregate with disease in related individuals. Algorithms developed to predict the effect of sequence changes on RNA splicing suggest that this variant may disrupt the consensus splice site. For these reasons, this variant has been classified as Pathogenic.

Literature cited by the submitters: PubMed 16199547; PubMed 29342313; PubMed 31127727.

NM_004370.6(COL12A1):c.8100+2T>G

Gene: COL12A1 (collagen type XII alpha 1 chain; minus strand). Cytogenetic location: 6q13.
Variant type: single nucleotide variant.
Coding change: c.8100+2T>G on transcript NM_004370.6 (MANE Select); the canonical splice donor site of the intron after coding-DNA position 8100, T replaced by G.
Molecular consequence: splice donor variant.
Genome position (GRCh38, 1-based): chr6:75,109,016, A>C on the plus strand (T>G on the coding strand, the complement: COL12A1 is on the minus strand). VCF-style: chr6-75109016-A-C. GRCh37 (hg19) VCF-style: chr6-75818732-A-C.
Other names: c.4608+2T>G (NM_080645.3).
Identifiers: ClinVar variation 2112585 (VCV002112585.4), dbSNP rs1768702301, ClinGen allele CA364741444.
Genomic context (GRCh38, chr6:75,109,016, plus strand): 5'-TAGAAAAATGCCATTTCAATCTTAACACAAGGTACCAAGAGAAATAAAAATGTGTTACTC[A>C]CTGCGGCTGATTTCCTTTCCCCTTTAAGGAGTTTTCCAAGAATTTCATAACCATCAGTTG-3'